The following is an entry in ClinVar:

NM_000094.4(COL7A1):c.649A>G (p.Thr217Ala)

Gene: COL7A1 (collagen type VII alpha 1 chain; minus strand). Cytogenetic location: 3p21.31.
Variant type: single nucleotide variant.
Coding change: c.649A>G on transcript NM_000094.4 (MANE Select); coding-DNA position 649, A replaced by G.
Protein change: p.Thr217Ala; replaces threonine 217 with alanine.
Molecular consequence: missense variant.
Genome position (GRCh38, 1-based): chr3:48,593,135, T>C on the plus strand (A>G on the coding strand, the complement: COL7A1 is on the minus strand). VCF-style: chr3-48593135-T-C. GRCh37 (hg19) VCF-style: chr3-48630568-T-C.
Other names: short protein forms T217A.
Identifiers: ClinVar variation 2047501 (VCV002047501.4), dbSNP rs2531342209, ClinGen allele CA352743147.

ClinVar aggregate classification (germline): Uncertain significance (1 of 4 stars; one submission).

Submission:

Labcorp Genetics (formerly Invitae), Labcorp
Classification: Uncertain significance. Last evaluated: 2024-09-10. Review status: criteria provided, single submitter. Criteria: Invitae Variant Classification Sherloc (09022015). Collection method: clinical testing. Allele origin: germline.
Comment: This sequence change replaces threonine, which is neutral and polar, with alanine, which is neutral and non-polar, at codon 217 of the COL7A1 protein (p.Thr217Ala). This variant is not present in population databases (gnomAD no frequency). This variant has not been reported in the literature in individuals affected with COL7A1-related conditions. ClinVar contains an entry for this variant (Variation ID: 2047501). Invitae Evidence Modeling of protein sequence and biophysical properties (such as structural, functional, and spatial information, amino acid conservation, physicochemical variation, residue mobility, and thermodynamic stability) indicates that this missense variant is not expected to disrupt COL7A1 protein function with a negative predictive value of 95%. In summary, the available evidence is currently insufficient to determine the role of this variant in disease. Therefore, it has been classified as a Variant of Uncertain Significance.